The following is an entry in ClinVar:

NM_000463.3(UGT1A1):c.1353G>A (p.Pro451=)

Genes: UGT1A (UDP glucuronosyltransferase family 1 member A complex locus; plus strand), UGT1A1 (UDP glucuronosyltransferase family 1 member A1; plus strand), UGT1A10 (UDP glucuronosyltransferase family 1 member A10; plus strand), UGT1A3 (UDP glucuronosyltransferase family 1 member A3; plus strand), UGT1A4 (UDP glucuronosyltransferase family 1 member A4; plus strand) and 5 more. Cytogenetic location: 2q37.1.
Variant type: single nucleotide variant.
Coding change: c.1353G>A on transcript NM_000463.3 (MANE Select); coding-DNA position 1353, G replaced by A.
Protein change: p.Pro451=; no amino-acid change (proline 451 retained).
Molecular consequence: synonymous variant.
Genome position (GRCh38, 1-based): chr2:233,772,310, G>A. VCF-style: chr2-233772310-G-A. GRCh37 (hg19) VCF-style: chr2-234680956-G-A.
Other names: c.1344G>A, p.Pro448= (NM_019075.4, NM_019076.5, NM_019077.3 and 1 more transcripts); c.1350G>A, p.Pro450= (NM_001072.4); c.549G>A, p.Pro183= (NM_205862.3); c.1356G>A, p.Pro452= (NM_019078.2, NM_007120.3, NM_019093.4).
Identifiers: ClinVar variation 3032638 (VCV003032638.2), dbSNP rs368860136, ClinGen allele CA2180100.
Genomic context (GRCh38, chr2:233,772,310, plus strand): 5'-CTTTGTGTTTAGTTACAAGGAGAACATCATGCGCCTCTCCAGCCTTCACAAGGACCGCCC[G>A]GTGGAGCCGCTGGACCTGGCCGTGTTCTGGGTGGAGTTTGTGATGAGGCACAAGGGCGCG-3'
Protein context (NP_000454.1, residues 441-461): MRLSSLHKDR[Pro451=]VEPLDLAVFW

ClinVar aggregate classification (germline): Likely benign (0 of 4 stars; one submission).

Conditions:
UGT1A1-related disorder. Also called: UGT1A1-related condition; UGT1A1-related disorders.

Allele frequency attached by ClinVar (database versions not stated): ESP Exome Variant Server 0.00008; TOPMed 0.00014.
gnomAD v4.1: 107 of 1,614,092 alleles (0.0066%); highest among the groups gnomAD compares: African/African-American, 0.025%; no homozygotes.

Submission:

PreventionGenetics, part of Exact Sciences
Classification: Likely benign for UGT1A1-related condition. Last evaluated: 2022-06-01. Review status: no assertion criteria provided. Collection method: clinical testing. Allele origin: germline.
Comment: This variant is classified as likely benign based on ACMG/AMP sequence variant interpretation guidelines (Richards et al. 2015 PMID: 25741868, with internal and published modifications).